The following is an entry in ClinVar:

ClinVar aggregate classification (germline): Likely benign (0 of 4 stars; one submission).

Conditions:
KDM6A-related disorder. Also called: KDM6A-related condition.

Submission:

PreventionGenetics, part of Exact Sciences
Classification: Likely benign for KDM6A-related condition. Last evaluated: 2021-05-26. Review status: no assertion criteria provided. Collection method: clinical testing. Allele origin: germline.
Comment: This variant is classified as likely benign based on ACMG/AMP sequence variant interpretation guidelines (Richards et al. 2015 PMID: 25741868, with internal and published modifications).

NM_001291415.2(KDM6A):c.36C>G (p.Ala12=)

Gene: KDM6A (lysine demethylase 6A; plus strand). Cytogenetic location: Xp11.3.
Variant type: single nucleotide variant.
Coding change: c.36C>G on transcript NM_001291415.2 (MANE Select); coding-DNA position 36, C replaced by G.
Protein change: p.Ala12=; no amino-acid change (alanine 12 retained).
Molecular consequence: synonymous variant. On other transcripts: 5 prime UTR variant (1), non-coding transcript variant (1).
Genome position (GRCh38, 1-based): chrX:44,873,587, C>G. VCF-style: chrX-44873587-C-G. GRCh37 (hg19) VCF-style: chrX-44732833-C-G.
Other names: c.36C>G, p.Ala12= (NM_001291416.2, NM_001291417.2, NM_001291418.2 and 9 more transcripts); c.-597C>G (NM_001291421.2).
Identifiers: ClinVar variation 3029130 (VCV003029130.2), dbSNP rs2031060541, ClinGen allele CA516176742.